The following is an entry in ClinVar:

NM_001006658.3(CR2):c.1353A>G (p.Ile451Met)

Gene: CR2 (complement C3d receptor 2; plus strand). Cytogenetic location: 1q32.2.
Variant type: single nucleotide variant.
Coding change: c.1353A>G on transcript NM_001006658.3 (MANE Select); coding-DNA position 1353, A replaced by G.
Protein change: p.Ile451Met; replaces isoleucine 451 with methionine.
Molecular consequence: missense variant.
Genome position (GRCh38, 1-based): chr1:207,470,867, A>G. VCF-style: chr1-207470867-A-G. GRCh37 (hg19) VCF-style: chr1-207644212-A-G.
Other names: c.1353A>G, p.Ile451Met (NM_001877.5); short protein forms I451M.
Identifiers: ClinVar variation 843887 (VCV000843887.9), dbSNP rs771341490, ClinGen allele CA1368690.

ClinVar aggregate classification (germline): Uncertain significance (1 of 4 stars; one submission).

Conditions:
Immunodeficiency, common variable, 7. Identifiers: Orphanet 1572, Orphanet 696894, MedGen C3542922, MONDO:0013862, OMIM 614699.

Allele frequency attached by ClinVar (database versions not stated): gnomAD 0.00003 and 0.00004; gnomAD exomes 0.00001 and 0.00002; TOPMed 0.00002; ExAC 0.00003.

Submission:

Labcorp Genetics (formerly Invitae), Labcorp
Classification: Uncertain significance for Immunodeficiency, common variable, 7. Last evaluated: 2025-10-02. Review status: criteria provided, single submitter. Criteria: Invitae Variant Classification Sherloc (09022015). Collection method: clinical testing. Allele origin: germline.
Comment: This sequence change replaces isoleucine, which is neutral and non-polar, with methionine, which is neutral and non-polar, at codon 451 of the CR2 protein (p.Ile451Met). This variant is present in population databases (rs771341490, gnomAD 0.006%). This variant has not been reported in the literature in individuals affected with CR2-related conditions. ClinVar contains an entry for this variant (Variation ID: 843887). An algorithm developed to predict the effect of missense changes on protein structure and function (PolyPhen-2) suggests that this variant is likely to be disruptive. In summary, the available evidence is currently insufficient to determine the role of this variant in disease. Therefore, it has been classified as a Variant of Uncertain Significance.